The following is an entry in ClinVar:

ClinVar aggregate classification (germline): Likely pathogenic (1 of 4 stars; one submission).

Conditions:
Charcot-Marie-Tooth disease axonal type 2O. Also called: CHARCOT-MARIE-TOOTH NEUROPATHY, AXONAL, TYPE 2O; CHARCOT-MARIE-TOOTH DISEASE, AXONAL, AUTOSOMAL DOMINANT, TYPE 2O; Charcot-Marie-Tooth Neuropathy Type 2O; Charcot-Marie-Tooth disease, axonal, type 20. Identifiers: Orphanet 284232, MedGen C3280220, MONDO:0013644, OMIM 614228.

gnomAD v4.1: 7 of 1,613,916 alleles (0.00043%); highest among the groups gnomAD compares: Non-Finnish European, 0.00051%; no homozygotes.

Submission:

Labcorp Genetics (formerly Invitae), Labcorp
Classification: Likely pathogenic for Charcot-Marie-Tooth disease axonal type 2O. Last evaluated: 2025-09-08. Review status: criteria provided, single submitter. Criteria: Invitae Variant Classification Sherloc (09022015). Collection method: clinical testing. Allele origin: germline.
Comment: This sequence change replaces arginine, which is basic and polar, with cysteine, which is neutral and slightly polar, at codon 786 of the DYNC1H1 protein (p.Arg786Cys). This variant is not present in population databases (gnomAD no frequency). This variant has not been reported in the literature in individuals affected with DYNC1H1-related conditions. Invitae Evidence Modeling of protein sequence and biophysical properties (such as structural, functional, and spatial information, amino acid conservation, physicochemical variation, residue mobility, and thermodynamic stability) indicates that this missense variant is expected to disrupt DYNC1H1 protein function with a positive predictive value of 95%. This variant disrupts the p.Arg786 amino acid residue in DYNC1H1. Other variant(s) that disrupt this residue have been determined to be pathogenic (PMID: 29653220). This suggests that this residue is clinically significant, and that variants that disrupt this residue are likely to be disease-causing. In summary, the currently available evidence indicates that the variant is pathogenic, but additional data are needed to prove that conclusively. Therefore, this variant has been classified as Likely Pathogenic.

Literature cited by the submitters: PubMed 29653220.

NM_001376.5(DYNC1H1):c.2356C>T (p.Arg786Cys)

Gene: DYNC1H1 (dynein cytoplasmic 1 heavy chain 1; plus strand). Cytogenetic location: 14q32.31.
Variant type: single nucleotide variant.
Coding change: c.2356C>T on transcript NM_001376.5 (MANE Select); coding-DNA position 2356, C replaced by T.
Protein change: p.Arg786Cys; replaces arginine 786 with cysteine.
Molecular consequence: missense variant.
Genome position (GRCh38, 1-based): chr14:101,986,581, C>T. VCF-style: chr14-101986581-C-T. GRCh37 (hg19) VCF-style: chr14-102452918-C-T.
Other names: short protein forms R786C.
Identifiers: ClinVar variation 4750543 (VCV004750543.1).